The following is an entry in ClinVar:

NM_001372.4(DNAH9):c.9926A>G (p.Lys3309Arg)

Gene: DNAH9 (dynein axonemal heavy chain 9; plus strand). Cytogenetic location: 17p12.
Variant type: single nucleotide variant.
Coding change: c.9926A>G on transcript NM_001372.4 (MANE Select); coding-DNA position 9926, A replaced by G.
Protein change: p.Lys3309Arg; replaces lysine 3309 with arginine.
Molecular consequence: missense variant.
Genome position (GRCh38, 1-based): chr17:11,854,421, A>G. VCF-style: chr17-11854421-A-G. GRCh37 (hg19) VCF-style: chr17-11757738-A-G.
Other names: short protein forms K3309R.
Identifiers: ClinVar variation 1978368 (VCV001978368.4), dbSNP rs777741964, ClinGen allele CA8397329.
Genomic context (GRCh38, chr17:11,854,421, plus strand): 5'-TGAACAAAGCCACCGCGGACCTCACAGCTGCCCAGGAGAAGCTGGCTGCCATCAAAGCCA[A>G]GATCGCTGTGAGTGACCCCAGAGCCCCTCACCCTGCTAGTCCGCCTCCAATACAAACAAC-3'
Protein context (NP_001363.2, residues 3299-3319): AQEKLAAIKA[Lys3309Arg]IAHLNENLAK

ClinVar aggregate classification (germline): Uncertain significance (1 of 4 stars; one submission).

Allele frequency attached by ClinVar (database versions not stated): gnomAD exomes below 0.00001; ExAC 0.00001; gnomAD 0.00001; TOPMed 0.00001.
gnomAD v4.1: 4 of 1,611,576 alleles (0.00025%); highest among the groups gnomAD compares: South Asian, 0.0011%; no homozygotes.

Submission:

Labcorp Genetics (formerly Invitae), Labcorp
Classification: Uncertain significance. Last evaluated: 2022-11-01. Review status: criteria provided, single submitter. Criteria: Invitae Variant Classification Sherloc (09022015). Collection method: clinical testing. Allele origin: germline.
Comment: In summary, the available evidence is currently insufficient to determine the role of this variant in disease. Therefore, it has been classified as a Variant of Uncertain Significance. Advanced modeling of protein sequence and biophysical properties (such as structural, functional, and spatial information, amino acid conservation, physicochemical variation, residue mobility, and thermodynamic stability) performed at Invitae indicates that this missense variant is not expected to disrupt DNAH9 protein function. This variant has not been reported in the literature in individuals affected with DNAH9-related conditions. This variant is present in population databases (rs777741964, gnomAD 0.0009%). This sequence change replaces lysine, which is basic and polar, with arginine, which is basic and polar, at codon 3309 of the DNAH9 protein (p.Lys3309Arg).